The following is an entry in ClinVar:

ClinVar aggregate classification (germline): Conflicting classifications of pathogenicity. Review status: criteria provided, conflicting classifications (1 of 4 stars). 2 submissions from 2 submitters: Uncertain significance (1); Likely benign (1). Last evaluated 2024-09-30.

Conditions:
Inborn genetic diseases. Identifiers: MedGen C0950123, MeSH D030342.

Allele frequency attached by ClinVar (database versions not stated): gnomAD exomes 0.00002; TOPMed 0.00002; gnomAD 0.00003.

Submissions (2):

Ambry Genetics
Classification: Likely benign for Inborn genetic diseases. Last evaluated: 2024-09-30. Review status: criteria provided, single submitter. Criteria: Ambry Variant Classification Scheme 2023. Collection method: clinical testing. Allele origin: germline.

Labcorp Genetics (formerly Invitae), Labcorp
Classification: Uncertain significance. Last evaluated: 2022-03-07. Review status: criteria provided, single submitter. Criteria: Invitae Variant Classification Sherloc (09022015). Collection method: clinical testing. Allele origin: germline.
Comment: This sequence change replaces valine, which is neutral and non-polar, with isoleucine, which is neutral and non-polar, at codon 2616 of the COL7A1 protein (p.Val2616Ile). This variant is present in population databases (no rsID available, gnomAD 0.003%). This variant has not been reported in the literature in individuals affected with COL7A1-related conditions. Advanced modeling of protein sequence and biophysical properties (such as structural, functional, and spatial information, amino acid conservation, physicochemical variation, residue mobility, and thermodynamic stability) performed at Invitae indicates that this missense variant is not expected to disrupt COL7A1 protein function. In summary, the available evidence is currently insufficient to determine the role of this variant in disease. Therefore, it has been classified as a Variant of Uncertain Significance.

NM_000094.4(COL7A1):c.7846G>A (p.Val2616Ile)

Gene: COL7A1 (collagen type VII alpha 1 chain; minus strand). Cytogenetic location: 3p21.31.
Variant type: single nucleotide variant.
Coding change: c.7846G>A on transcript NM_000094.4 (MANE Select); coding-DNA position 7846, G replaced by A.
Protein change: p.Val2616Ile; replaces valine 2616 with isoleucine.
Molecular consequence: missense variant.
Genome position (GRCh38, 1-based): chr3:48,568,119, C>T on the plus strand (G>A on the coding strand, the complement: COL7A1 is on the minus strand). VCF-style: chr3-48568119-C-T. GRCh37 (hg19) VCF-style: chr3-48605552-C-T.
Other names: short protein forms V2616I.
Identifiers: ClinVar variation 2167039 (VCV002167039.2), dbSNP rs1411151969, ClinGen allele CA352641885.